The following is an entry in ClinVar:

ClinVar aggregate classification (germline): Uncertain significance. Review status: criteria provided, multiple submitters, no conflicts (2 of 4 stars). 2 submissions from 2 submitters: Uncertain significance (2). Last evaluated 2026-02-27.

Conditions:
Inborn genetic diseases. Identifiers: MedGen C0950123, MeSH D030342.

Allele frequency attached by ClinVar (database versions not stated): gnomAD exomes below 0.00001.

Submissions (2):

Ambry Genetics
Classification: Uncertain significance for Inborn genetic diseases. Last evaluated: 2026-02-27. Review status: criteria provided, single submitter. Criteria: Ambry Variant Classification Scheme 2023. Collection method: clinical testing. Allele origin: germline.

GeneDx
Classification: Uncertain significance. Last evaluated: 2019-12-09. Review status: criteria provided, single submitter. Criteria: GeneDx Variant Classification Process June 2021. Collection method: clinical testing. Allele origin: germline. Affected: yes.
Comment: Not observed in large population cohorts (Lek et al., 2016); In silico analysis, which includes protein predictors and evolutionary conservation, supports that this variant does not alter protein structure/function; Has not been previously published as pathogenic or benign to our knowledge

NM_024496.4(IRF2BPL):c.248T>A (p.Leu83Gln)

Genes: IRF2BPL (interferon regulatory factor 2 binding protein like; minus strand), LOC107984638 (uncharacterized LOC107984638; plus strand). Cytogenetic location: 14q24.3.
Variant type: single nucleotide variant.
Coding change: c.248T>A on transcript NM_024496.4 (MANE Select); coding-DNA position 248, T replaced by A.
Protein change: p.Leu83Gln; replaces leucine 83 with glutamine.
Molecular consequence: missense variant.
Genome position (GRCh38, 1-based): chr14:77,027,545, A>T on the plus strand (T>A on the coding strand, the complement: IRF2BPL is on the minus strand). VCF-style: chr14-77027545-A-T. GRCh37 (hg19) VCF-style: chr14-77493888-A-T.
Other names: c.248T>A (NM_024496.2); short protein forms L83Q.
Identifiers: ClinVar variation 1311160 (VCV001311160.3), dbSNP rs1157584307, ClinGen allele CA390500699.